The following is an entry in ClinVar:

ClinVar aggregate classification (germline): Benign. Review status: criteria provided, multiple submitters, no conflicts (2 of 4 stars). 2 submissions from 2 submitters: Benign (2). Last evaluated 2018-06-18.

Allele frequency attached by ClinVar (database versions not stated): gnomAD 0.15619 and 0.15731; TOPMed 0.17275; 1000 Genomes Project 0.25799; 1000 Genomes Project 30x 0.25890.
gnomAD v4.1: 23,739 of 152,274 alleles (16%); highest among the groups gnomAD compares: African/African-American, 38%; 3,651 homozygotes.

Submissions (2):

GeneDx
Classification: Benign. Last evaluated: 2018-06-18. Review status: criteria provided, single submitter. Criteria: GeneDx Variant Classification (06012015). Collection method: clinical testing. Allele origin: germline. Affected: yes.
Comment: This variant is considered likely benign or benign based on one or more of the following criteria: it is a conservative change, it occurs at a poorly conserved position in the protein, it is predicted to be benign by multiple in silico algorithms, and/or has population frequency not consistent with disease.

Breakthrough Genomics
Classification: Benign. Review status: criteria provided, single submitter. Criteria: ACMG Guidelines, 2015. Collection method: not provided. Allele origin: germline. Inheritance: Autosomal dominant inheritance. Affected: yes.

NM_001458.5(FLNC):c.4289-178T>A

Gene: FLNC (filamin C; plus strand). Cytogenetic location: 7q32.1.
Variant type: single nucleotide variant.
Coding change: c.4289-178T>A on transcript NM_001458.5 (MANE Select); 178 bases into the intron before coding-DNA position 4289, T replaced by A.
Molecular consequence: intron variant.
Genome position (GRCh38, 1-based): chr7:128,847,519, T>A. VCF-style: chr7-128847519-T-A. GRCh37 (hg19) VCF-style: chr7-128487573-T-A.
Other names: c.4289-178T>A (NM_001127487.2).
Identifiers: ClinVar variation 681833 (VCV000681833.2), dbSNP rs72607757, ClinGen allele CA166182724.